The following is an entry in ClinVar:

NM_012073.5(CCT5):c.1350G>A (p.Ala450=)

Gene: CCT5 (chaperonin containing TCP1 subunit 5; plus strand). Cytogenetic location: 5p15.2.
Variant type: single nucleotide variant.
Coding change: c.1350G>A on transcript NM_012073.5 (MANE Select); coding-DNA position 1350, G replaced by A.
Protein change: p.Ala450=; no amino-acid change (alanine 450 retained).
Molecular consequence: synonymous variant.
Genome position (GRCh38, 1-based): chr5:10,263,166, G>A. VCF-style: chr5-10263166-G-A. GRCh37 (hg19) VCF-style: chr5-10263278-G-A.
Other names: c.1287G>A, p.Ala429= (NM_001306153.1); c.1185G>A, p.Ala395= (NM_001306154.2); c.1071G>A, p.Ala357= (NM_001306155.2); c.1236G>A, p.Ala412= (NM_001306156.2); c.1350G>A (NM_012073.4).
Identifiers: ClinVar variation 533946 (VCV000533946.15), dbSNP rs142127415, ClinGen allele CA3198351.

ClinVar aggregate classification (germline): Benign. Review status: criteria provided, multiple submitters, no conflicts (2 of 4 stars). 3 submissions from 3 submitters: Benign (2). 1 of the submissions does not count toward it. Last evaluated 2025-12-26.

Conditions:
Hereditary sensory and autonomic neuropathy with spastic paraplegia (HSNSP). Identifiers: Orphanet 139578, MedGen C1850395, MONDO:0009748, OMIM 256840.
CCT5-related disorder. Also called: CCT5-related condition.

Allele frequency attached by ClinVar (database versions not stated): gnomAD exomes 0.00022 and 0.00045; ExAC 0.00061; gnomAD 0.00179 and 0.00195; TOPMed 0.00181; 1000 Genomes Project 0.00200; ESP Exome Variant Server 0.00261; 1000 Genomes Project 30x 0.00265.
gnomAD v4.1: 595 of 1,614,190 alleles (0.037%); highest among the groups gnomAD compares: African/African-American, 0.67%; 3 homozygotes.

Submissions (3):

Labcorp Genetics (formerly Invitae), Labcorp
Classification: Benign for Hereditary sensory and autonomic neuropathy with spastic paraplegia. Last evaluated: 2025-12-26. Review status: criteria provided, single submitter. Criteria: Invitae Variant Classification Sherloc (09022015). Collection method: clinical testing. Allele origin: germline.

Breakthrough Genomics
Classification: Benign. Review status: criteria provided, single submitter. Criteria: ACMG Guidelines, 2015. Collection method: not provided. Allele origin: germline. Inheritance: Autosomal recessive inheritance. Affected: yes.

PreventionGenetics, part of Exact Sciences
Classification: Likely benign for CCT5-related condition. Last evaluated: 2019-03-25. Review status: no assertion criteria provided. Collection method: clinical testing. Allele origin: germline. Not counted in ClinVar's aggregate classification.
Comment: This variant is classified as likely benign based on ACMG/AMP sequence variant interpretation guidelines (Richards et al. 2015 PMID: 25741868, with internal and published modifications).